The following is an entry in ClinVar:

ClinVar aggregate classification (germline): Uncertain significance (1 of 4 stars; one submission).

Conditions:
Cardiovascular phenotype. Identifiers: MedGen CN230736.

Submission:

Ambry Genetics
Classification: Uncertain significance for Cardiovascular phenotype. Last evaluated: 2026-07-24. Review status: criteria provided, single submitter. Criteria: Ambry Variant Classification Scheme 2023. Collection method: clinical testing. Allele origin: germline.
Comment: The p.F98L variant (also known as c.292T>C), located in coding exon 2 of the KCNH2 gene, results from a T to C substitution at nucleotide position 292. The phenylalanine at codon 98 is replaced by leucine, an amino acid with highly similar properties. Functional studies by one group suggest this variant may not impact channel trafficking or function; however, additional evidence is needed to confirm these findings (Ng CA et al. Am J Hum Genet, 2022 Jul;109:1208-1216). This amino acid position is not well conserved in available vertebrate species. In addition, the in silico prediction for this alteration is inconclusive. Based on the available evidence, the clinical significance of this variant remains unclear.

Literature cited by the submitters: PubMed 35688148.

NM_000238.4(KCNH2):c.292T>C (p.Phe98Leu)

Gene: KCNH2 (potassium voltage-gated channel subfamily H member 2; minus strand). Cytogenetic location: 7q36.1.
Variant type: single nucleotide variant.
Coding change: c.292T>C on transcript NM_000238.4 (MANE Select); coding-DNA position 292, T replaced by C.
Protein change: p.Phe98Leu; replaces phenylalanine 98 with leucine.
Molecular consequence: missense variant. On other transcripts: non-coding transcript variant (1).
Genome position (GRCh38, 1-based): chr7:150,974,726, A>G on the plus strand (T>C on the coding strand, the complement: KCNH2 is on the minus strand). VCF-style: chr7-150974726-A-G. GRCh37 (hg19) VCF-style: chr7-150671814-A-G.
Other names: c.115T>C, p.Phe39Leu (NM_001406755.1); c.292T>C, p.Phe98Leu (NM_172056.3); short protein forms F39L, F98L.
Identifiers: ClinVar variation 5022981 (VCV005022981.1).